The following is an entry in ClinVar:

NM_001348323.3(TRIP12):c.6062C>T (p.Thr2021Ile)

Gene: TRIP12 (thyroid hormone receptor interactor 12; minus strand). Cytogenetic location: 2q36.3.
Variant type: single nucleotide variant.
Coding change: c.6062C>T on transcript NM_001348323.3 (MANE Select); coding-DNA position 6062, C replaced by T.
Protein change: p.Thr2021Ile; replaces threonine 2021 with isoleucine.
Molecular consequence: missense variant.
Genome position (GRCh38, 1-based): chr2:229,767,696, G>A on the plus strand (C>T on the coding strand, the complement: TRIP12 is on the minus strand). VCF-style: chr2-229767696-G-A. GRCh37 (hg19) VCF-style: chr2-230632412-G-A.
Other names: c.5981C>T, p.Thr1994Ile (NM_001284214.2, NM_001348315.2); c.5936C>T, p.Thr1979Ile (NM_001284215.2, NM_001348316.2); c.5027C>T, p.Thr1676Ile (NM_001284216.2); c.5921C>T, p.Thr1974Ile (NM_001348317.1, NM_001348318.2); c.6047C>T, p.Thr2016Ile (NM_001348319.1, NM_001348320.2); c.6050C>T, p.Thr2017Ile (NM_001348321.1); c.6062C>T, p.Thr2021Ile (NM_001348322.1, NM_001348324.2, NM_001348325.2 and 2 more transcripts); c.6065C>T, p.Thr2022Ile (NM_001348328.1, NM_001348329.2, NM_001348330.2); and 4 more; short protein forms T1946I, T1974I, T2016I, T2017I, T1979I, T2021I, T1947I, T1995I.
Identifiers: ClinVar variation 4984407 (VCV004984407.1).
Genomic context (GRCh38, chr2:229,767,696, plus strand): 5'-GGCAACTTAAGATAGTTCACACAAGTCATTACAGAGGGCAAGAAGTCATCTGGGTTTTCT[G>A]TTGATTCAAACGTCTTTCGGACAATTGTCAAAGGTGGATTCAAACTCCGGAATCCTGATT-3'
Protein context (NP_001335252.1, residues 2011-2031): LTIVRKTFES[Thr2021Ile]ENPDDFLPSV

ClinVar aggregate classification (germline): Uncertain significance (1 of 4 stars; one submission).

Conditions:
TRIP12-related disorder. Also called: TRIP12-related condition.

gnomAD v4.1: 5 of 1,613,962 alleles (0.00031%); highest among the groups gnomAD compares: African/African-American, 0.0013%; no homozygotes.

Submission:

PreventionGenetics, part of Exact Sciences
Classification: Uncertain significance for TRIP12-related condition. Last evaluated: 2025-11-07. Review status: criteria provided, single submitter. Criteria: ACMG Guidelines, 2015. Collection method: clinical testing. Allele origin: germline.
Comment: The TRIP12 c.5981C>T variant is predicted to result in the amino acid substitution p.Thr1994Ile. To our knowledge, this variant has not been reported in the literature. This variant is reported in 0.0062% of alleles in individuals of African descent in gnomAD. At this time, the clinical significance of this variant is uncertain due to the absence of conclusive functional and genetic evidence.